The following is an entry in ClinVar:

NM_002386.4(MC1R):c.719C>T (p.Ala240Val)

Gene: MC1R (melanocortin 1 receptor; plus strand). Cytogenetic location: 16q24.3.
Variant type: single nucleotide variant.
Coding change: c.719C>T on transcript NM_002386.4 (MANE Select); coding-DNA position 719, C replaced by T.
Protein change: p.Ala240Val; replaces alanine 240 with valine.
Molecular consequence: missense variant.
Genome position (GRCh38, 1-based): chr16:89,919,977, C>T. VCF-style: chr16-89919977-C-T. GRCh37 (hg19) VCF-style: chr16-89986385-C-T.
Other names: short protein forms A240V.
Identifiers: ClinVar variation 1419808 (VCV001419808.8), dbSNP rs1384239934, ClinGen allele CA397462942.

ClinVar aggregate classification (germline): Uncertain significance (1 of 4 stars; one submission).

Conditions:
Melanoma, cutaneous malignant, susceptibility to, 5. Also called: Cutaneous malignant melanoma 5. Identifiers: Orphanet 618, MedGen C2751295, MONDO:0013133, OMIM 613099.

Allele frequency attached by ClinVar (database versions not stated): gnomAD exomes below 0.00001; TOPMed below 0.00001.

Submission:

Labcorp Genetics (formerly Invitae), Labcorp
Classification: Uncertain significance for Melanoma, cutaneous malignant, susceptibility to, 5. Last evaluated: 2022-07-01. Review status: criteria provided, single submitter. Criteria: Invitae Variant Classification Sherloc (09022015). Collection method: clinical testing. Allele origin: germline.
Comment: In summary, the available evidence is currently insufficient to determine the role of this variant in disease. Therefore, it has been classified as a Variant of Uncertain Significance. Algorithms developed to predict the effect of missense changes on protein structure and function (SIFT, PolyPhen-2, Align-GVGD) all suggest that this variant is likely to be disruptive. ClinVar contains an entry for this variant (Variation ID: 1419808). This variant has not been reported in the literature in individuals affected with MC1R-related conditions. This variant is not present in population databases (gnomAD no frequency). This sequence change replaces alanine, which is neutral and non-polar, with valine, which is neutral and non-polar, at codon 240 of the MC1R protein (p.Ala240Val).